The following is an entry in ClinVar:

ClinVar aggregate classification (germline): Conflicting classifications of pathogenicity. Review status: criteria provided, conflicting classifications (1 of 4 stars). 3 submissions from 3 submitters: Uncertain significance (1); Benign (1); Likely benign (1). Last evaluated 2025-05-05.

Allele frequency attached by ClinVar (database versions not stated): gnomAD exomes below 0.00001 and 0.00003; ExAC 0.00005; TOPMed 0.00005; gnomAD 0.00009 and 0.00011; ESP Exome Variant Server 0.00015.

Submissions (3):

Labcorp Genetics (formerly Invitae), Labcorp
Classification: Benign. Last evaluated: 2025-05-05. Review status: criteria provided, single submitter. Criteria: Invitae Variant Classification Sherloc (09022015). Collection method: clinical testing. Allele origin: germline.

Blueprint Genetics
Classification: Likely benign. Last evaluated: 2021-11-11. Review status: criteria provided, single submitter. Criteria: ACMG Guidelines, 2015. Collection method: clinical testing. Allele origin: germline.

GeneDx
Classification: Uncertain significance. Last evaluated: 2021-04-01. Review status: criteria provided, single submitter. Criteria: GeneDx Variant Classification Process June 2021. Collection method: clinical testing. Allele origin: germline. Affected: yes.
Comment: In silico analysis supports that this variant does not alter splicing; Has not been previously published as pathogenic or benign to our knowledge

NM_000062.3(SERPING1):c.798G>A (p.Val266=)

Gene: SERPING1 (serpin family G member 1; plus strand). Cytogenetic location: 11q12.1.
Variant type: single nucleotide variant.
Coding change: c.798G>A on transcript NM_000062.3 (MANE Select); coding-DNA position 798, G replaced by A.
Protein change: p.Val266=; no amino-acid change (valine 266 retained).
Molecular consequence: synonymous variant.
Genome position (GRCh38, 1-based): chr11:57,606,122, G>A. VCF-style: chr11-57606122-G-A. GRCh37 (hg19) VCF-style: chr11-57373595-G-A.
Other names: c.798G>A, p.Val266= (NM_001032295.2).
Identifiers: ClinVar variation 1302083 (VCV001302083.7), dbSNP rs375950989, ClinGen allele CA6008123.